The following is an entry in ClinVar:

ClinVar aggregate classification (germline): Uncertain significance (1 of 4 stars; one submission).

Submission:

Labcorp Genetics (formerly Invitae), Labcorp
Classification: Uncertain significance. Last evaluated: 2021-07-04. Review status: criteria provided, single submitter. Criteria: Invitae Variant Classification Sherloc (09022015). Collection method: clinical testing. Allele origin: germline.
Comment: In summary, the available evidence is currently insufficient to determine the role of this variant in disease. Therefore, it has been classified as a Variant of Uncertain Significance. Nucleotide substitutions within the consensus splice site are a relatively common cause of aberrant splicing (PMID: 17576681, 9536098). Algorithms developed to predict the effect of sequence changes on RNA splicing suggest that this variant may disrupt the consensus splice site. This variant has not been reported in the literature in individuals affected with MYO7A-related conditions. This variant is not present in population databases (ExAC no frequency). This sequence change affects codon 1036 of the MYO7A mRNA. It is a 'silent' change, meaning that it does not change the encoded amino acid sequence of the MYO7A protein. This variant also falls at the last nucleotide of exon 24, which is part of the consensus splice site for this exon.

Literature cited by the submitters: PubMed 17576681; PubMed 9536098.

NM_000260.4(MYO7A):c.3108G>C (p.Leu1036=)

Gene: MYO7A (myosin VIIA; plus strand). Cytogenetic location: 11q13.5.
Variant type: single nucleotide variant.
Coding change: c.3108G>C on transcript NM_000260.4 (MANE Select); coding-DNA position 3108, G replaced by C.
Protein change: p.Leu1036=; no amino-acid change (leucine 1036 retained).
Molecular consequence: synonymous variant.
Genome position (GRCh38, 1-based): chr11:77,182,154, G>C. VCF-style: chr11-77182154-G-C. GRCh37 (hg19) VCF-style: chr11-76893200-G-C.
Other names: c.3108G>C, p.Leu1036= (NM_001127180.2); c.3075G>C, p.Leu1025= (NM_001369365.1).
Identifiers: ClinVar variation 1404248 (VCV001404248.6), dbSNP rs2135495159, ClinGen allele CA2573147754.
Genomic context (GRCh38, chr11:77,182,154, plus strand): 5'-CTACACCCGGCGGCCACTCAAACAGCCACTGCTCTACCATGACGACGAGGGTGACCAGCT[G>C]GTAAGGCCTGCCTGTCACTAGGTCACTGCTGGGTGGGGCCAGGGCTGGGGCTATGGACTC-3'
Protein context (NP_000251.3, residues 1026-1046): LLYHDDEGDQ[Leu1036=]AALAVWITIL